The following is an entry in ClinVar:

NM_000843.4(GRM6):c.420G>A (p.Ala140=)

Gene: GRM6 (glutamate metabotropic receptor 6; minus strand). Cytogenetic location: 5q35.3.
Variant type: single nucleotide variant.
Coding change: c.420G>A on transcript NM_000843.4 (MANE Select); coding-DNA position 420, G replaced by A.
Protein change: p.Ala140=; no amino-acid change (alanine 140 retained).
Molecular consequence: synonymous variant.
Genome position (GRCh38, 1-based): chr5:178,994,525, C>T on the plus strand (G>A on the coding strand, the complement: GRM6 is on the minus strand). VCF-style: chr5-178994525-C-T. GRCh37 (hg19) VCF-style: chr5-178421526-C-T.
Identifiers: ClinVar variation 3035730 (VCV003035730.3), dbSNP rs1760737739, ClinGen allele CA448027881.

ClinVar aggregate classification (germline): Likely benign. Review status: criteria provided, single submitter (1 of 4 stars). 2 submissions from 2 submitters: Likely benign (1). 1 of the submissions does not count toward it. Last evaluated 2025-03-31.

Conditions:
GRM6-related disorder. Also called: GRM6-related condition.

Allele frequency attached by ClinVar (database versions not stated): gnomAD 0.00001.

Submissions (2):

Labcorp Genetics (formerly Invitae), Labcorp
Classification: Likely benign. Last evaluated: 2025-03-31. Review status: criteria provided, single submitter. Criteria: Invitae Variant Classification Sherloc (09022015). Collection method: clinical testing. Allele origin: germline.

PreventionGenetics, part of Exact Sciences
Classification: Likely benign for GRM6-related condition. Last evaluated: 2019-09-11. Review status: no assertion criteria provided. Collection method: clinical testing. Allele origin: germline. Not counted in ClinVar's aggregate classification.
Comment: This variant is classified as likely benign based on ACMG/AMP sequence variant interpretation guidelines (Richards et al. 2015 PMID: 25741868, with internal and published modifications).